The following is an entry in ClinVar:

ClinVar aggregate classification (germline): Uncertain significance (1 of 4 stars; one submission).

Submission:

Labcorp Genetics (formerly Invitae), Labcorp
Classification: Uncertain significance. Last evaluated: 2025-01-31. Review status: criteria provided, single submitter. Criteria: Invitae Variant Classification Sherloc (09022015). Collection method: clinical testing. Allele origin: germline.
Comment: This sequence change replaces histidine, which is basic and polar, with proline, which is neutral and non-polar, at codon 782 of the ARID1A protein (p.His782Pro). This variant is not present in population databases (gnomAD no frequency). This variant has not been reported in the literature in individuals affected with ARID1A-related conditions. Invitae Evidence Modeling of protein sequence and biophysical properties (such as structural, functional, and spatial information, amino acid conservation, physicochemical variation, residue mobility, and thermodynamic stability) indicates that this missense variant is not expected to disrupt ARID1A protein function with a negative predictive value of 80%. In summary, the available evidence is currently insufficient to determine the role of this variant in disease. Therefore, it has been classified as a Variant of Uncertain Significance.

NM_006015.6(ARID1A):c.2345A>C (p.His782Pro)

Gene: ARID1A (AT-rich interaction domain 1A; plus strand). Cytogenetic location: 1p36.11.
Variant type: single nucleotide variant.
Coding change: c.2345A>C on transcript NM_006015.6 (MANE Select); coding-DNA position 2345, A replaced by C.
Protein change: p.His782Pro; replaces histidine 782 with proline.
Molecular consequence: missense variant.
Genome position (GRCh38, 1-based): chr1:26,762,245, A>C. VCF-style: chr1-26762245-A-C. GRCh37 (hg19) VCF-style: chr1-27088736-A-C.
Other names: c.2345A>C, p.His782Pro (NM_139135.4); short protein forms H782P.
Identifiers: ClinVar variation 3677808 (VCV003677808.2).
Genomic context (GRCh38, chr1:26,762,245, plus strand): 5'-ACAGTTCCCCCCAGCCCGGCTCAGCCTTATCTCCGCGTCAGCCTTCCGGAGGACAGATAC[A>C]CACAGGCATGGGCTCCTACCAGCAGAACTCCATGGGGAGCTATGGTCCCCAGGGGGGTCA-3'
Protein context (NP_006006.3, residues 772-792): SPRQPSGGQI[His782Pro]TGMGSYQQNS